The following is an entry in ClinVar:

NM_000278.5(PAX2):c.-41C>A

Gene: PAX2 (paired box 2; plus strand). Cytogenetic location: 10q24.31.
Variant type: single nucleotide variant.
Coding change: c.-41C>A on transcript NM_000278.5 (MANE Select); 41 bases upstream of the start codon, C replaced by A.
Molecular consequence: 5 prime UTR variant. On other transcripts: missense variant (2).
Genome position (GRCh38, 1-based): chr10:100,746,220, C>A. VCF-style: chr10-100746220-C-A. GRCh37 (hg19) VCF-style: chr10-102505977-C-A.
Other names: c.-41C>A (NM_003987.5, NM_003988.5, NM_003989.5 and 1 more transcripts); c.53C>A, p.Thr18Lys (NM_001304569.2, NM_001374303.1); short protein forms T18K.
Identifiers: ClinVar variation 4909178 (VCV004909178.2).

ClinVar aggregate classification (germline): Conflicting classifications of pathogenicity. Review status: criteria provided, conflicting classifications (1 of 4 stars). 2 submissions from 2 submitters: Uncertain significance (1); Likely benign (1). Last evaluated 2026-03-27.

gnomAD v4.1: 60 of 1,611,414 alleles (0.0037%); highest among the groups gnomAD compares: African/African-American, 0.031%; 2 homozygotes.

Submissions (2):

GeneDx
Classification: Uncertain significance. Last evaluated: 2026-03-27. Review status: criteria provided, single submitter. Criteria: GeneDx Variant Classification Process June 2021. Collection method: clinical testing. Allele origin: germline.
Comment: Located in a region that tolerates variation and lacks pathogenic variants; Has not been previously published as pathogenic or benign to our knowledge; Located in a regulatory region; in the absence of functional studies, the actual effect of this sequence change is unknown

Blueprint Genetics
Classification: Likely benign. Last evaluated: 2024-11-23. Review status: criteria provided, single submitter. Criteria: ACMG Guidelines, 2015. Collection method: clinical testing. Allele origin: germline.